The following is an entry in ClinVar:

NM_018847.4(KLHL9):c.1373C>T (p.Thr458Ile)

Gene: KLHL9 (kelch like family member 9; minus strand). Cytogenetic location: 9p21.3.
Variant type: single nucleotide variant.
Coding change: c.1373C>T on transcript NM_018847.4 (MANE Select); coding-DNA position 1373, C replaced by T.
Protein change: p.Thr458Ile; replaces threonine 458 with isoleucine.
Molecular consequence: missense variant.
Genome position (GRCh38, 1-based): chr9:21,333,487, G>A on the plus strand (C>T on the coding strand, the complement: KLHL9 is on the minus strand). VCF-style: chr9-21333487-G-A. GRCh37 (hg19) VCF-style: chr9-21333486-G-A.
Other names: short protein forms T458I.
Identifiers: ClinVar variation 2744415 (VCV002744415.3), dbSNP rs2537380489, ClinGen allele CA373068834.
Genomic context (GRCh38, chr9:21,333,487, plus strand): 5'-GGAGCCTTTTGCATCCATTTATCTGTATCTGGGTCAAAACACATGAGCTCATTTTGGAAA[G>A]TGTCATGGGTAATTCCTCCTGAAATATACATTAAGCCTCCATATACTGTTCCAGCATGAC-3'
Protein context (NP_061335.1, residues 448-468): MYISGGITHD[Thr458Ile]FQNELMCFDP

ClinVar aggregate classification (germline): Uncertain significance (1 of 4 stars; one submission).

Submission:

Labcorp Genetics (formerly Invitae), Labcorp
Classification: Uncertain significance. Last evaluated: 2023-07-19. Review status: criteria provided, single submitter. Criteria: Invitae Variant Classification Sherloc (09022015). Collection method: clinical testing. Allele origin: germline.
Comment: This sequence change replaces threonine, which is neutral and polar, with isoleucine, which is neutral and non-polar, at codon 458 of the KLHL9 protein (p.Thr458Ile). This variant is not present in population databases (gnomAD no frequency). This variant has not been reported in the literature in individuals affected with KLHL9-related conditions. Advanced modeling of protein sequence and biophysical properties (such as structural, functional, and spatial information, amino acid conservation, physicochemical variation, residue mobility, and thermodynamic stability) performed at Invitae indicates that this missense variant is not expected to disrupt KLHL9 protein function. In summary, the available evidence is currently insufficient to determine the role of this variant in disease. Therefore, it has been classified as a Variant of Uncertain Significance.